The following is an entry in ClinVar:

ClinVar aggregate classification (germline): Uncertain significance (1 of 4 stars; one submission).

Conditions:
Hereditary hemorrhagic telangiectasia (HHT). Also called: ORW DISEASE; Osler Weber Rendu syndrome; OSLER-RENDU-WEBER DISEASE; Osler hemorrhagic telangiectasia syndrome. Identifiers: Orphanet 774, MedGen C0039445, MONDO:0019180. Disease mechanism: loss of function.

Allele frequency attached by ClinVar (database versions not stated): gnomAD 0.00002; ExAC 0.00007.
gnomAD v4.1: 56 of 1,570,430 alleles (0.0036%); highest among the groups gnomAD compares: Non-Finnish European, 0.0041%; no homozygotes.

Submission:

Labcorp Genetics (formerly Invitae), Labcorp
Classification: Uncertain significance for Hereditary hemorrhagic telangiectasia. Last evaluated: 2024-01-18. Review status: criteria provided, single submitter. Criteria: Invitae Variant Classification Sherloc (09022015). Collection method: clinical testing. Allele origin: germline.
Comment: This variant occurs in a non-coding region of the ENG gene. It does not change the encoded amino acid sequence of the ENG protein. The frequency data for this variant in the population databases is considered unreliable, as metrics indicate poor data quality at this position in the gnomAD database. This variant has not been reported in the literature in individuals affected with ENG-related conditions. ClinVar contains an entry for this variant (Variation ID: 2186810). Experimental studies and prediction algorithms are not available or were not evaluated, and the functional significance of this variant is currently unknown. In summary, the available evidence is currently insufficient to determine the role of this variant in disease. Therefore, it has been classified as a Variant of Uncertain Significance.

NM_001114753.3(ENG):c.-24C>T

Gene: ENG (endoglin; minus strand). Cytogenetic location: 9q34.11.
Variant type: single nucleotide variant.
Coding change: c.-24C>T on transcript NM_001114753.3 (MANE Select); 24 bases upstream of the start codon, C replaced by T.
Molecular consequence: 5 prime UTR variant.
Genome position (GRCh38, 1-based): chr9:127,854,379, G>A on the plus strand (C>T on the coding strand, the complement: ENG is on the minus strand). VCF-style: chr9-127854379-G-A. GRCh37 (hg19) VCF-style: chr9-130616658-G-A.
Other names: c.-24C>T (NM_000118.4, NM_001406715.1).
Identifiers: ClinVar variation 2186810 (VCV002186810.2), dbSNP rs769883395, ClinGen allele CA5253273.